The following is an entry in ClinVar:

NM_006231.4(POLE):c.3683C>T (p.Thr1228Ile)

Gene: POLE (DNA polymerase epsilon, catalytic subunit; minus strand). Cytogenetic location: 12q24.33.
Variant type: single nucleotide variant.
Coding change: c.3683C>T on transcript NM_006231.4 (MANE Select); coding-DNA position 3683, C replaced by T.
Protein change: p.Thr1228Ile; replaces threonine 1228 with isoleucine.
Molecular consequence: missense variant.
Genome position (GRCh38, 1-based): chr12:132,649,789, G>A on the plus strand (C>T on the coding strand, the complement: POLE is on the minus strand). VCF-style: chr12-132649789-G-A. GRCh37 (hg19) VCF-style: chr12-133226375-G-A.
Other names: short protein forms T1228I.
Identifiers: ClinVar variation 3422205 (VCV003422205.2).

ClinVar aggregate classification (germline): Uncertain significance. Review status: criteria provided, multiple submitters, no conflicts (2 of 4 stars). 2 submissions from 2 submitters: Uncertain significance (2). Last evaluated 2025-08-13.

Conditions:
Hereditary cancer-predisposing syndrome. Also called: Neoplastic Syndromes, Hereditary; Tumor predisposition; Hereditary Cancer Syndrome; Hereditary neoplastic syndrome. Identifiers: Orphanet 140162, MedGen C0027672, MeSH D009386, MONDO:0015356.

gnomAD v4.1: 1 of 1,614,210 alleles (0.000062%); highest among the groups gnomAD compares: South Asian, 0.0011%; no homozygotes.

Submissions (2):

Labcorp Genetics (formerly Invitae), Labcorp
Classification: Uncertain significance. Last evaluated: 2025-08-13. Review status: criteria provided, single submitter. Criteria: Invitae Variant Classification Sherloc (09022015). Collection method: clinical testing. Allele origin: germline.
Comment: This sequence change replaces threonine, which is neutral and polar, with isoleucine, which is neutral and non-polar, at codon 1228 of the POLE protein (p.Thr1228Ile). This variant is present in population databases (no rsID available, gnomAD 0.003%). This variant has not been reported in the literature in individuals affected with POLE-related conditions. ClinVar contains an entry for this variant (Variation ID: 3422205). Invitae Evidence Modeling of protein sequence and biophysical properties (such as structural, functional, and spatial information, amino acid conservation, physicochemical variation, residue mobility, and thermodynamic stability) indicates that this missense variant is not expected to disrupt POLE protein function with a negative predictive value of 80%. In summary, the available evidence is currently insufficient to determine the role of this variant in disease. Therefore, it has been classified as a Variant of Uncertain Significance.

Ambry Genetics
Classification: Uncertain significance for Hereditary cancer-predisposing syndrome. Last evaluated: 2024-10-23. Review status: criteria provided, single submitter. Criteria: Ambry Variant Classification Scheme 2023. Collection method: clinical testing. Allele origin: germline.
Comment: The p.T1228I variant (also known as c.3683C>T), located in coding exon 30 of the POLE gene, results from a C to T substitution at nucleotide position 3683. The threonine at codon 1228 is replaced by isoleucine, an amino acid with similar properties. This amino acid position is conserved. In addition, this alteration is predicted to be tolerated by in silico analysis. Based on the available evidence, the clinical significance of this variant remains unclear.